The following is an entry in ClinVar:

ClinVar aggregate classification (germline): Uncertain significance. Review status: criteria provided, multiple submitters, no conflicts (2 of 4 stars). 2 submissions from 2 submitters: Uncertain significance (2). Last evaluated 2025-06-10.

Allele frequency attached by ClinVar (database versions not stated): gnomAD 0.00001; gnomAD exomes 0.00002 and 0.00006; TOPMed 0.00002; ExAC 0.00003.
gnomAD v4.1: 81 of 1,613,654 alleles (0.005%); highest among the groups gnomAD compares: Non-Finnish European, 0.0066%; no homozygotes.

Submissions (2):

Ambry Genetics
Classification: Uncertain significance. Last evaluated: 2025-06-10. Review status: criteria provided, single submitter. Criteria: Ambry Variant Classification Scheme 2023. Collection method: clinical testing. Allele origin: germline.

Labcorp Genetics (formerly Invitae), Labcorp
Classification: Uncertain significance. Last evaluated: 2023-10-19. Review status: criteria provided, single submitter. Criteria: Invitae Variant Classification Sherloc (09022015). Collection method: clinical testing. Allele origin: germline.
Comment: This sequence change replaces alanine, which is neutral and non-polar, with serine, which is neutral and polar, at codon 329 of the MKL1 protein (p.Ala329Ser). This variant is present in population databases (rs752559006, gnomAD 0.004%). This variant has not been reported in the literature in individuals affected with MKL1-related conditions. ClinVar contains an entry for this variant (Variation ID: 1683094). An algorithm developed to predict the effect of missense changes on protein structure and function (PolyPhen-2) suggests that this variant is likely to be tolerated. In summary, the available evidence is currently insufficient to determine the role of this variant in disease. Therefore, it has been classified as a Variant of Uncertain Significance.

NM_020831.6(MRTFA):c.1285G>T (p.Ala429Ser)

Gene: MRTFA (myocardin related transcription factor A; minus strand). Cytogenetic location: 22q13.1.
Variant type: single nucleotide variant.
Coding change: c.1285G>T on transcript NM_020831.6 (MANE Select); coding-DNA position 1285, G replaced by T.
Protein change: p.Ala429Ser; replaces alanine 429 with serine.
Molecular consequence: missense variant.
Genome position (GRCh38, 1-based): chr22:40,420,473, C>A on the plus strand (G>T on the coding strand, the complement: MRTFA is on the minus strand). VCF-style: chr22-40420473-C-A. GRCh37 (hg19) VCF-style: chr22-40816477-C-A.
Other names: c.985G>T, p.Ala329Ser (NM_001282660.2); c.1135G>T, p.Ala379Ser (NM_001282661.3); c.1285G>T, p.Ala429Ser (NM_001282662.3); c.1090G>T, p.Ala364Ser (NM_001318139.2); c.985G>T (NM_020831.3); short protein forms A329S, A364S, A379S, A429S.
Identifiers: ClinVar variation 1683094 (VCV001683094.9), dbSNP rs752559006, ClinGen allele CA10249719.
Genomic context (GRCh38, chr22:40,420,473, plus strand): 5'-CGTCCAGGTTGGCCGGCAGGGCTCCCGGCTTGCCAGTCAGTGAGGTGCTGTTCTGACGTG[C>A]CAGCCCACAGGGCCCAGGGGCGCCCGAGCTGGAGCTGCTATTGGTAGTGGAGAGGCTGCG-3'
Protein context (NP_065882.2, residues 419-439): SSGAPGPCGL[Ala429Ser]RQNSTSLTGK